The following is an entry in ClinVar:

ClinVar aggregate classification (germline): Benign/Likely benign. Review status: criteria provided, multiple submitters, no conflicts (2 of 4 stars). 8 submissions from 8 submitters: Benign (2); Likely benign (6). Last evaluated 2026-08-01.

Conditions:
Inborn genetic diseases. Identifiers: MedGen C0950123, MeSH D030342.
Intellectual disability-microcephaly-strabismus-behavioral abnormalities syndrome. Also called: White-Sutton Syndrome. Identifiers: Orphanet 468678, MedGen C4225351, MONDO:0014606, OMIM 616364.

Allele frequency attached by ClinVar (database versions not stated): ESP Exome Variant Server 0.00054; TOPMed 0.00084; 1000 Genomes Project 0.00240; 1000 Genomes Project 30x 0.00250.
gnomAD v4.1: 1,580 of 1,614,078 alleles (0.098%); highest among the groups gnomAD compares: Admixed American, 0.78%; 5 homozygotes.

Submissions (8):

CeGaT Center for Human Genetics Tuebingen
Classification: Likely benign. Last evaluated: 2026-08-01. Review status: criteria provided, single submitter. Criteria: CeGaT Center For Human Genetics Tuebingen Variant Classification Criteria Version 2. Collection method: clinical testing. Allele origin: germline. Affected: yes. Observed: 9 variant alleles.
Comment: POGZ: BP4, BS1

Blueprint Genetics
Classification: Likely benign. Last evaluated: 2024-11-26. Review status: criteria provided, single submitter. Criteria: ACMG Guidelines, 2015. Collection method: clinical testing. Allele origin: germline.

Genome-Nilou Lab
Classification: Likely benign for Intellectual disability-microcephaly-strabismus-behavioral abnormalities syndrome. Last evaluated: 2023-04-11. Review status: criteria provided, single submitter. Criteria: ACMG Guidelines, 2015. Collection method: clinical testing. Allele origin: germline. Affected: no.

Labcorp Genetics (formerly Invitae), Labcorp
Classification: Likely benign. Last evaluated: 2019-12-31. Review status: criteria provided, single submitter. Criteria: Invitae Variant Classification Sherloc (09022015). Collection method: clinical testing. Allele origin: germline.

GeneDx
Classification: Benign. Last evaluated: 2019-07-03. Review status: criteria provided, single submitter. Criteria: GeneDx Variant Classification Process June 2021. Collection method: clinical testing. Allele origin: germline. Affected: yes.

Mendelics
Classification: Likely benign for Intellectual disability-microcephaly-strabismus-behavioral abnormalities syndrome. Last evaluated: 2019-05-28. Review status: criteria provided, single submitter. Criteria: Mendelics Assertion Criteria 2017. Collection method: clinical testing. Allele origin: unknown.

Ambry Genetics
Classification: Benign for Inborn genetic diseases. Last evaluated: 2016-08-08. Review status: criteria provided, single submitter. Criteria: Ambry Variant Classification Scheme 2023. Collection method: clinical testing. Allele origin: germline.

Breakthrough Genomics
Classification: Likely benign. Review status: criteria provided, single submitter. Criteria: ACMG Guidelines, 2015. Collection method: not provided. Allele origin: germline. Inheritance: Autosomal dominant inheritance. Affected: yes.

NM_015100.4(POGZ):c.2789C>G (p.Pro930Arg)

Gene: POGZ (pogo transposable element derived with ZNF domain; minus strand). Cytogenetic location: 1q21.3.
Variant type: single nucleotide variant.
Coding change: c.2789C>G on transcript NM_015100.4 (MANE Select); coding-DNA position 2789, C replaced by G.
Protein change: p.Pro930Arg; replaces proline 930 with arginine.
Molecular consequence: missense variant.
Genome position (GRCh38, 1-based): chr1:151,406,246, G>C on the plus strand (C>G on the coding strand, the complement: POGZ is on the minus strand). VCF-style: chr1-151406246-G-C. GRCh37 (hg19) VCF-style: chr1-151378722-G-C.
Other names: c.2762C>G, p.Pro921Arg (NM_001194937.2); c.2603C>G, p.Pro868Arg (NM_001194938.2); c.2504C>G, p.Pro835Arg (NM_145796.4); c.2630C>G, p.Pro877Arg (NM_207171.2); short protein forms P930R, P868R, P877R, P835R, P921R.
Identifiers: ClinVar variation 589186 (VCV000589186.36), dbSNP rs145570114, ClinGen allele CA1091061.
Genomic context (GRCh38, chr1:151,406,246, plus strand): 5'-GGGCTCCCTTCATCCTGATCATCAACATTCAGACATTCGGCTCCCTCTGTAGCCAGCGGT[G>C]GAAGGGCTAAAGCCTGCGGGTGAGTGGGGGTTGGTGGTGGGGTTGCAGTTGAGGCTGGTG-3'
Protein context (NP_055915.2, residues 920-940): TPTHPQALAL[Pro930Arg]PLATEGAECL